The following is an entry in ClinVar:

NM_001365999.1(SZT2):c.4747C>T (p.Pro1583Ser)

Gene: SZT2 (SZT2 subunit of KICSTOR complex; plus strand). Cytogenetic location: 1p34.2.
Variant type: single nucleotide variant.
Coding change: c.4747C>T on transcript NM_001365999.1 (MANE Select); coding-DNA position 4747, C replaced by T.
Protein change: p.Pro1583Ser; replaces proline 1583 with serine.
Molecular consequence: missense variant.
Genome position (GRCh38, 1-based): chr1:43,430,762, C>T. VCF-style: chr1-43430762-C-T. GRCh37 (hg19) VCF-style: chr1-43896433-C-T.
Other names: c.4576C>T, p.Pro1526Ser (NM_015284.4); short protein forms P1526S, P1583S.
Identifiers: ClinVar variation 3626517 (VCV003626517.2).

ClinVar aggregate classification (germline): Uncertain significance (1 of 4 stars; one submission).

Submission:

Labcorp Genetics (formerly Invitae), Labcorp
Classification: Uncertain significance. Last evaluated: 2025-02-12. Review status: criteria provided, single submitter. Criteria: Invitae Variant Classification Sherloc (09022015). Collection method: clinical testing. Allele origin: germline.
Comment: This sequence change replaces proline, which is neutral and non-polar, with serine, which is neutral and polar, at codon 1526 of the SZT2 protein (p.Pro1526Ser). This variant is present in population databases (rs777323792, gnomAD 0.007%). This variant has not been reported in the literature in individuals affected with SZT2-related conditions. Invitae Evidence Modeling of protein sequence and biophysical properties (such as structural, functional, and spatial information, amino acid conservation, physicochemical variation, residue mobility, and thermodynamic stability) indicates that this missense variant is not expected to disrupt SZT2 protein function with a negative predictive value of 80%. In summary, the available evidence is currently insufficient to determine the role of this variant in disease. Therefore, it has been classified as a Variant of Uncertain Significance.